The following is an entry in ClinVar:

ClinVar aggregate classification (germline): Likely benign (1 of 4 stars; one submission).

Conditions:
TTC21B-related disorder. Also called: TTC21B-related condition; TTC21B-related disorders.

gnomAD v4.1: 1 of 1,614,066 alleles (0.000062%); highest among the groups gnomAD compares: Non-Finnish European, 0.000085%; no homozygotes.

Submission:

PreventionGenetics, part of Exact Sciences
Classification: Likely benign for TTC21B-related condition. Last evaluated: 2024-12-27. Review status: criteria provided, single submitter. Criteria: ACMG Guidelines, 2015. Collection method: clinical testing. Allele origin: germline.
Comment: This variant is classified as likely benign based on ACMG/AMP sequence variant interpretation guidelines (Richards et al. 2015 PMID: 25741868, with internal and published modifications).

NM_024753.5(TTC21B):c.1533T>C (p.Ala511=)

Gene: TTC21B (tetratricopeptide repeat domain 21B; minus strand). Cytogenetic location: 2q24.3.
Variant type: single nucleotide variant.
Coding change: c.1533T>C on transcript NM_024753.5 (MANE Select); coding-DNA position 1533, T replaced by C.
Protein change: p.Ala511=; no amino-acid change (alanine 511 retained).
Molecular consequence: synonymous variant.
Genome position (GRCh38, 1-based): chr2:165,919,417, A>G on the plus strand (T>C on the coding strand, the complement: TTC21B is on the minus strand). VCF-style: chr2-165919417-A-G. GRCh37 (hg19) VCF-style: chr2-166775927-A-G.
Identifiers: ClinVar variation 4998871 (VCV004998871.1).